The following is an entry in ClinVar:

ClinVar aggregate classification (germline): Uncertain significance (1 of 4 stars; one submission).

Conditions:
Frontotemporal dementia and/or amyotrophic lateral sclerosis 7 (FTDALS7). Also called: CHMP2B-Related Frontotemporal Dementia-Amyotrophic Lateral Sclerosis; CHMP2B-related frontotemporal dementia; AMYOTROPHIC LATERAL SCLEROSIS, CHMP2B-RELATED; Amyotrophic lateral sclerosis 17. Identifiers: Orphanet 275864, Orphanet 282, Orphanet 803, MedGen C1833296, MONDO:0010936, OMIM 600795.

Submission:

Labcorp Genetics (formerly Invitae), Labcorp
Classification: Uncertain significance for Frontotemporal dementia and/or amyotrophic lateral sclerosis 7. Last evaluated: 2024-11-27. Review status: criteria provided, single submitter. Criteria: Invitae Variant Classification Sherloc (09022015). Collection method: clinical testing. Allele origin: germline.
Comment: This sequence change creates a premature translational stop signal (p.Ser183*) in the CHMP2B gene. While this is not anticipated to result in nonsense mediated decay, it is expected to disrupt the last 31 amino acid(s) of the CHMP2B protein. This variant is not present in population databases (gnomAD no frequency). This variant has not been reported in the literature in individuals affected with CHMP2B-related conditions. ClinVar contains an entry for this variant (Variation ID: 2921536). Algorithms developed to predict the effect of sequence changes on RNA splicing suggest that this variant may disrupt the consensus splice site. In summary, the available evidence is currently insufficient to determine the role of this variant in disease. Therefore, it has been classified as a Variant of Uncertain Significance.

NM_014043.4(CHMP2B):c.548C>G (p.Ser183Ter)

Gene: CHMP2B (charged multivesicular body protein 2B; plus strand). Cytogenetic location: 3p11.2.
Variant type: single nucleotide variant.
Coding change: c.548C>G on transcript NM_014043.4 (MANE Select); coding-DNA position 548, C replaced by G.
Protein change: p.Ser183Ter; replaces serine 183 with a stop codon.
Molecular consequence: nonsense.
Genome position (GRCh38, 1-based): chr3:87,253,728, C>G. VCF-style: chr3-87253728-C-G. GRCh37 (hg19) VCF-style: chr3-87302878-C-G.
Other names: c.425C>G, p.Ser142Ter (NM_001244644.2); c.644C>G, p.Ser215Ter (NM_001410777.1); short protein forms S142*, S183*, S215*.
Identifiers: ClinVar variation 2921536 (VCV002921536.3), dbSNP rs748616447, ClinGen allele CA353697739.